The following is an entry in ClinVar:

ClinVar aggregate classification (germline): Uncertain significance (1 of 4 stars; one submission).

Conditions:
Nemaline myopathy 2 (NEM2). Also called: Nemaline myopathy 2, autosomal recessive. Identifiers: MedGen C1850569, MONDO:0009725, OMIM 256030.

gnomAD v4.1: 1 of 1,613,948 alleles (0.000062%); highest among the groups gnomAD compares: Non-Finnish European, 0.000085%; no homozygotes.

Submission:

Labcorp Genetics (formerly Invitae), Labcorp
Classification: Uncertain significance for Nemaline myopathy 2. Last evaluated: 2022-04-01. Review status: criteria provided, single submitter. Criteria: Invitae Variant Classification Sherloc (09022015). Collection method: clinical testing. Allele origin: germline.
Comment: This sequence change replaces asparagine, which is neutral and polar, with lysine, which is basic and polar, at codon 1646 of the NEB protein (p.Asn1646Lys). This variant is present in population databases (rs765208384, gnomAD 0.002%). This variant has not been reported in the literature in individuals affected with NEB-related conditions. Algorithms developed to predict the effect of missense changes on protein structure and function are either unavailable or do not agree on the potential impact of this missense change (SIFT: "Deleterious"; PolyPhen-2: "Not Available"; Align-GVGD: "Class C0"). In summary, the available evidence is currently insufficient to determine the role of this variant in disease. Therefore, it has been classified as a Variant of Uncertain Significance.

NM_001164508.2(NEB):c.4938C>A (p.Asn1646Lys)

Gene: NEB (nebulin; minus strand). Cytogenetic location: 2q23.3.
Variant type: single nucleotide variant.
Coding change: c.4938C>A on transcript NM_001164508.2 (MANE Select); coding-DNA position 4938, C replaced by A.
Protein change: p.Asn1646Lys; replaces asparagine 1646 with lysine.
Molecular consequence: missense variant.
Genome position (GRCh38, 1-based): chr2:151,666,183, G>T on the plus strand (C>A on the coding strand, the complement: NEB is on the minus strand). VCF-style: chr2-151666183-G-T. GRCh37 (hg19) VCF-style: chr2-152522697-G-T.
Other names: c.4938C>A, p.Asn1646Lys (NM_001164507.2, NM_001271208.2, NM_004543.5); short protein forms N1646K.
Identifiers: ClinVar variation 2120682 (VCV002120682.1), dbSNP rs765208384, ClinGen allele CA1910501.